The following is an entry in ClinVar:

ClinVar aggregate classification (germline): Uncertain significance (1 of 4 stars; one submission).

Submission:

Labcorp Genetics (formerly Invitae), Labcorp
Classification: Uncertain significance. Last evaluated: 2022-04-03. Review status: criteria provided, single submitter. Criteria: Invitae Variant Classification Sherloc (09022015). Collection method: clinical testing. Allele origin: germline.
Comment: In summary, the available evidence is currently insufficient to determine the role of this variant in disease. Therefore, it has been classified as a Variant of Uncertain Significance. Algorithms developed to predict the effect of missense changes on protein structure and function are either unavailable or do not agree on the potential impact of this missense change (SIFT: "Deleterious"; PolyPhen-2: "Probably Damaging"; Align-GVGD: "Class C15"). This variant has not been reported in the literature in individuals affected with PDE6G-related conditions. This variant is not present in population databases (gnomAD no frequency). This sequence change replaces isoleucine, which is neutral and non-polar, with phenylalanine, which is neutral and non-polar, at codon 86 of the PDE6G protein (p.Ile86Phe).

NM_002602.4(PDE6G):c.256A>T (p.Ile86Phe)

Gene: PDE6G (phosphodiesterase 6G; minus strand). Cytogenetic location: 17q25.3.
Variant type: single nucleotide variant.
Coding change: c.256A>T on transcript NM_002602.4 (MANE Select); coding-DNA position 256, A replaced by T.
Protein change: p.Ile86Phe; replaces isoleucine 86 with phenylalanine.
Molecular consequence: missense variant. On other transcripts: non-coding transcript variant (2).
Genome position (GRCh38, 1-based): chr17:81,651,082, T>A on the plus strand (A>T on the coding strand, the complement: PDE6G is on the minus strand). VCF-style: chr17-81651082-T-A. GRCh37 (hg19) VCF-style: chr17-79618112-T-A.
Other names: c.256A>T, p.Ile86Phe (NM_001365724.1, NM_001365725.1); short protein forms I86F.
Identifiers: ClinVar variation 1380060 (VCV001380060.6), dbSNP rs2144395791, ClinGen allele CA401473697.
Genomic context (GRCh38, chr17:81,651,082, plus strand): 5'-TAGAGCACAGTGGGCAGGAGGGGGAGGGTCTGGACTTCAGCAGGGCCTCGTGCTAGATGA[T>A]GCCATATTGGGCCAGCTCGTGCAGCTCCAGGTGGTTGAAGGCCTCCCAAGGGCAGATGAC-3'
Protein context (NP_002593.1, residues 76-87): LELHELAQYG[Ile86Phe]I